The following is an entry in ClinVar:

ClinVar aggregate classification (germline): Uncertain significance. Review status: criteria provided, multiple submitters, no conflicts (2 of 4 stars). 2 submissions from 2 submitters: Uncertain significance (2). Last evaluated 2024-10-17.

Conditions:
Developmental and epileptic encephalopathy, 11 (DEE11). Also called: Early infantile epileptic encephalopathy 11. Identifiers: Orphanet 1934, MedGen C3150987, MONDO:0013388, OMIM 613721.
Seizures, benign familial infantile, 3 (BFIS3). Also called: CONVULSIONS, BENIGN FAMILIAL INFANTILE, 3; Familial neonatal seizures. Identifiers: Orphanet 140927, Orphanet 306, MedGen C1843140, MONDO:0011904, OMIM 607745.

Submissions (2):

Labcorp Genetics (formerly Invitae), Labcorp
Classification: Uncertain significance for Seizures, benign familial infantile, 3; Developmental and epileptic encephalopathy, 11. Last evaluated: 2024-10-17. Review status: criteria provided, single submitter. Criteria: Invitae Variant Classification Sherloc (09022015). Collection method: clinical testing. Allele origin: germline.
Comment: This sequence change replaces glutamic acid, which is acidic and polar, with lysine, which is basic and polar, at codon 1894 of the SCN2A protein (p.Glu1894Lys). This variant is not present in population databases (gnomAD no frequency). This variant has not been reported in the literature in individuals affected with SCN2A-related conditions. ClinVar contains an entry for this variant (Variation ID: 1801141). Invitae Evidence Modeling of protein sequence and biophysical properties (such as structural, functional, and spatial information, amino acid conservation, physicochemical variation, residue mobility, and thermodynamic stability) indicates that this missense variant is expected to disrupt SCN2A protein function with a positive predictive value of 95%. In summary, the available evidence is currently insufficient to determine the role of this variant in disease. Therefore, it has been classified as a Variant of Uncertain Significance.

GeneDx
Classification: Uncertain significance. Last evaluated: 2022-05-26. Review status: criteria provided, single submitter. Criteria: GeneDx Variant Classification Process June 2021. Collection method: clinical testing. Allele origin: germline. Affected: yes.
Comment: Not observed at significant frequency in large population cohorts (gnomAD); Missense variants in this gene are often considered pathogenic (HGMD); In silico analysis supports that this missense variant has a deleterious effect on protein structure/function; Has not been previously published as pathogenic or benign to our knowledge; This substitution is predicted to be within the C-terminal cytoplasmic domain

NM_001040142.2(SCN2A):c.5680G>A (p.Glu1894Lys)

Gene: SCN2A (sodium voltage-gated channel alpha subunit 2; plus strand). Cytogenetic location: 2q24.3.
Variant type: single nucleotide variant.
Coding change: c.5680G>A on transcript NM_001040142.2 (MANE Select); coding-DNA position 5680, G replaced by A.
Protein change: p.Glu1894Lys; replaces glutamic acid 1894 with lysine.
Molecular consequence: missense variant.
Genome position (GRCh38, 1-based): chr2:165,389,486, G>A. VCF-style: chr2-165389486-G-A. GRCh37 (hg19) VCF-style: chr2-166245996-G-A.
Other names: c.5680G>A, p.Glu1894Lys (NM_001040143.2, NM_001371246.1, NM_001371247.1 and 1 more transcripts); short protein forms E1894K.
Identifiers: ClinVar variation 1801141 (VCV001801141.6), dbSNP rs1393820493, ClinGen allele CA349039795.